The following is an entry in ClinVar:

ClinVar aggregate classification (germline): Benign/Likely benign. Review status: criteria provided, multiple submitters, no conflicts (2 of 4 stars). 6 submissions from 6 submitters: Benign (1); Likely benign (3). 2 of the submissions do not count toward it. Last evaluated 2025-01-31.

Conditions:
STK11-related disorder. Also called: STK11-related condition.
Hereditary cancer-predisposing syndrome. Also called: Tumor predisposition; Hereditary Cancer Syndrome; Hereditary neoplastic syndrome; Neoplastic Syndromes, Hereditary. Identifiers: Orphanet 140162, MedGen C0027672, MeSH D009386, MONDO:0015356.
Peutz-Jeghers syndrome (PJS). Also called: POLYPOSIS, HAMARTOMATOUS INTESTINAL; POLYPS-AND-SPOTS SYNDROME; Peutz-Jeghers polyposis; Periorificial lentiginosis syndrome. Identifiers: Orphanet 2869, MedGen C0031269, MeSH D010580, MONDO:0008280, OMIM 175200.

Allele frequency attached by ClinVar (database versions not stated): TOPMed below 0.00001; gnomAD 0.00001; gnomAD exomes 0.00001 and below 0.00001.
gnomAD v4.1: 15 of 1,611,266 alleles (0.00093%); highest among the groups gnomAD compares: Non-Finnish European, 0.001%; no homozygotes.

Submissions (6):

Labcorp Genetics (formerly Invitae), Labcorp
Classification: Likely benign for Peutz-Jeghers syndrome. Last evaluated: 2025-01-31. Review status: criteria provided, single submitter. Criteria: Invitae Variant Classification Sherloc (09022015). Collection method: clinical testing. Allele origin: germline.

Myriad Genetics, Inc.
Classification: Benign for Peutz-Jeghers syndrome. Last evaluated: 2023-04-12. Review status: criteria provided, single submitter. Criteria: Myriad Autosomal Dominant, Autosomal Recessive and X-Linked Classification Criteria (2023). Collection method: clinical testing. Allele origin: unknown.
Comment: This variant is considered benign. This variant is a silent/synonymous amino acid change and it is not expected to impact splicing.

Color Diagnostics, LLC DBA Color Health
Classification: Likely benign for Hereditary cancer-predisposing syndrome. Last evaluated: 2018-01-12. Review status: criteria provided, single submitter. Criteria: ACMG Guidelines, 2015. Collection method: clinical testing. Allele origin: germline.

Ambry Genetics
Classification: Likely benign for Hereditary cancer-predisposing syndrome. Last evaluated: 2014-07-12. Review status: criteria provided, single submitter. Criteria: Ambry Variant Classification Scheme 2023. Collection method: clinical testing. Allele origin: germline.

PreventionGenetics, part of Exact Sciences
Classification: Likely benign for STK11-related condition. Last evaluated: 2021-10-26. Review status: no assertion criteria provided. Collection method: clinical testing. Allele origin: germline. Not counted in ClinVar's aggregate classification.
Comment: This variant is classified as likely benign based on ACMG/AMP sequence variant interpretation guidelines (Richards et al. 2015 PMID: 25741868, with internal and published modifications).

Counsyl
Classification: Likely benign for Peutz-Jeghers syndrome. Last evaluated: 2016-03-17. Review status: no assertion criteria provided. Collection method: clinical testing. Allele origin: unknown. Not counted in ClinVar's aggregate classification.

NM_000455.5(STK11):c.1137C>T (p.His379=)

Gene: STK11 (serine/threonine kinase 11; plus strand). Cytogenetic location: 19p13.3.
Variant type: single nucleotide variant.
Coding change: c.1137C>T on transcript NM_000455.5 (MANE Select); coding-DNA position 1137, C replaced by T.
Protein change: p.His379=; no amino-acid change (histidine 379 retained).
Molecular consequence: synonymous variant.
Genome position (GRCh38, 1-based): chr19:1,226,482, C>T. VCF-style: chr19-1226482-C-T. GRCh37 (hg19) VCF-style: chr19-1226481-C-T.
Identifiers: ClinVar variation 184504 (VCV000184504.22), dbSNP rs786201505, ClinGen allele CA022346.
Genomic context (GRCh38, chr19:1,226,482, plus strand): 5'-AGCTCAGGCCACACTTGCCGTCTCCCTCCCAGGACAGGTCCCAGAAGAGGAGGCCAGTCA[C>T]AATGGACAGCGCCGGGGCCTCCCCAAGGCCGTGTGTATGAACGGCACAGAGGCGGCGCAG-3'
Protein context (NP_000446.1, residues 369-389): PGQVPEEEAS[His379=]NGQRRGLPKA